The following is an entry in ClinVar:

ClinVar aggregate classification (germline): Uncertain significance (1 of 4 stars; one submission).

Conditions:
Dilated cardiomyopathy 1JJ (CMD1JJ). Identifiers: Orphanet 154, MedGen C3808935, MONDO:0014095, OMIM 615235.

gnomAD v4.1: 3 of 1,613,820 alleles (0.00019%); highest among the groups gnomAD compares: African/African-American, 0.004%; no homozygotes.

Submission:

Labcorp Genetics (formerly Invitae), Labcorp
Classification: Uncertain significance for Dilated cardiomyopathy 1JJ. Last evaluated: 2024-03-12. Review status: criteria provided, single submitter. Criteria: Invitae Variant Classification Sherloc (09022015). Collection method: clinical testing. Allele origin: germline.
Comment: This sequence change replaces asparagine, which is neutral and polar, with serine, which is neutral and polar, at codon 475 of the LAMA4 protein (p.Asn475Ser). This variant is present in population databases (no rsID available, gnomAD 0.008%). This variant has not been reported in the literature in individuals affected with LAMA4-related conditions. Algorithms developed to predict the effect of missense changes on protein structure and function output the following: SIFT: "Not Available"; PolyPhen-2: "Benign"; Align-GVGD: "Not Available". The serine amino acid residue is found in multiple mammalian species, which suggests that this missense change does not adversely affect protein function. In summary, the available evidence is currently insufficient to determine the role of this variant in disease. Therefore, it has been classified as a Variant of Uncertain Significance.

NM_001105206.3(LAMA4):c.1445A>G (p.Asn482Ser)

Gene: LAMA4 (laminin subunit alpha 4; minus strand). Cytogenetic location: 6q21.
Variant type: single nucleotide variant.
Coding change: c.1445A>G on transcript NM_001105206.3 (MANE Select); coding-DNA position 1445, A replaced by G.
Protein change: p.Asn482Ser; replaces asparagine 482 with serine.
Molecular consequence: missense variant.
Genome position (GRCh38, 1-based): chr6:112,172,717, T>C on the plus strand (A>G on the coding strand, the complement: LAMA4 is on the minus strand). VCF-style: chr6-112172717-T-C. GRCh37 (hg19) VCF-style: chr6-112493919-T-C.
Other names: c.1424A>G, p.Asn475Ser (NM_001105207.3, NM_002290.5); short protein forms N475S, N482S.
Identifiers: ClinVar variation 3642117 (VCV003642117.2).
Genomic context (GRCh38, chr6:112,172,717, plus strand): 5'-GCATCCCTGACATAGTTAAGGGCCTGGTCAAGTGCTTCCTGGAGATCTGACAACTTAGCA[T>C]TGTAGTCATCCAGCTGCTCCAGGACGACAGGAAACAGAGTGCGGGTCTCATTGTGCAGCC-3'
Protein context (NP_001098676.2, residues 472-492): PVVLEQLDDY[Asn482Ser]AKLSDLQEAL